The following is an entry in ClinVar:

NM_182504.4(TMEM270):c.120C>T (p.Ile40=)

Gene: TMEM270 (transmembrane protein 270; plus strand). Cytogenetic location: 7q11.23.
Variant type: single nucleotide variant.
Coding change: c.120C>T on transcript NM_182504.4 (MANE Select); coding-DNA position 120, C replaced by T.
Protein change: p.Ile40=; no amino-acid change (isoleucine 40 retained).
Molecular consequence: synonymous variant.
Genome position (GRCh38, 1-based): chr7:73,865,040, C>T. VCF-style: chr7-73865040-C-T. GRCh37 (hg19) VCF-style: chr7-73279370-C-T.
Identifiers: ClinVar variation 2657572 (VCV002657572.24), dbSNP rs528240299, ClinGen allele CA4291987.

ClinVar aggregate classification (germline): Likely benign (1 of 4 stars; one submission).

Allele frequency attached by ClinVar (database versions not stated): TOPMed 0.00001; gnomAD 0.00013; gnomAD exomes 0.00027; ExAC 0.00046; 1000 Genomes Project 30x 0.00078; 1000 Genomes Project 0.00080.
gnomAD v4.1: 377 of 1,520,232 alleles (0.025%); highest among the groups gnomAD compares: South Asian, 0.48%; 4 homozygotes.

Submission:

CeGaT Center for Human Genetics Tuebingen
Classification: Likely benign. Last evaluated: 2026-01-01. Review status: criteria provided, single submitter. Criteria: CeGaT Center For Human Genetics Tuebingen Variant Classification Criteria Version 2. Collection method: clinical testing. Allele origin: germline. Affected: yes. Observed: 2 variant alleles.
Comment: TMEM270: BP4, BP7